The following is an entry in ClinVar:

ClinVar aggregate classification (germline): Uncertain significance (1 of 4 stars; one submission).

Conditions:
Dextro-looped transposition of the great arteries. Also called: Dextrotransposition of the great arteries. Identifiers: Orphanet 860, MedGen C3531771, MONDO:0019443, OMIM 608808, HP:0031348.

Allele frequency attached by ClinVar (database versions not stated): TOPMed below 0.00001; gnomAD 0.00001.
gnomAD v4.1: 7 of 1,613,932 alleles (0.00043%); highest among the groups gnomAD compares: Admixed American, 0.01%; no homozygotes.

Submission:

Labcorp Genetics (formerly Invitae), Labcorp
Classification: Uncertain significance for Dextro-looped transposition of the great arteries. Last evaluated: 2025-01-06. Review status: criteria provided, single submitter. Criteria: Invitae Variant Classification Sherloc (09022015). Collection method: clinical testing. Allele origin: germline.
Comment: This sequence change replaces serine, which is neutral and polar, with phenylalanine, which is neutral and non-polar, at codon 1944 of the MED13L protein (p.Ser1944Phe). This variant is present in population databases (rs771909088, gnomAD 0.02%). This variant has not been reported in the literature in individuals affected with MED13L-related conditions. ClinVar contains an entry for this variant (Variation ID: 2722054). Invitae Evidence Modeling of protein sequence and biophysical properties (such as structural, functional, and spatial information, amino acid conservation, physicochemical variation, residue mobility, and thermodynamic stability) indicates that this missense variant is expected to disrupt MED13L protein function with a positive predictive value of 80%. In summary, the available evidence is currently insufficient to determine the role of this variant in disease. Therefore, it has been classified as a Variant of Uncertain Significance.

NM_015335.5(MED13L):c.5831C>T (p.Ser1944Phe)

Gene: MED13L (mediator complex subunit 13L; minus strand). Cytogenetic location: 12q24.21.
Variant type: single nucleotide variant.
Coding change: c.5831C>T on transcript NM_015335.5 (MANE Select); coding-DNA position 5831, C replaced by T.
Protein change: p.Ser1944Phe; replaces serine 1944 with phenylalanine.
Molecular consequence: missense variant.
Genome position (GRCh38, 1-based): chr12:115,972,137, G>A on the plus strand (C>T on the coding strand, the complement: MED13L is on the minus strand). VCF-style: chr12-115972137-G-A. GRCh37 (hg19) VCF-style: chr12-116409942-G-A.
Other names: short protein forms S1944F.
Identifiers: ClinVar variation 2722054 (VCV002722054.3), dbSNP rs771909088, ClinGen allele CA6810496.